The following is an entry in ClinVar:

NM_001371596.2(MFSD8):c.978A>G (p.Gly326=)

Gene: MFSD8 (major facilitator superfamily domain containing 8; minus strand). Cytogenetic location: 4q28.2.
Variant type: single nucleotide variant.
Coding change: c.978A>G on transcript NM_001371596.2 (MANE Select); coding-DNA position 978, A replaced by G.
Protein change: p.Gly326=; no amino-acid change (glycine 326 retained).
Molecular consequence: synonymous variant.
Genome position (GRCh38, 1-based): chr4:127,930,703, T>C on the plus strand (A>G on the coding strand, the complement: MFSD8 is on the minus strand). VCF-style: chr4-127930703-T-C. GRCh37 (hg19) VCF-style: chr4-128851858-T-C.
Other names: c.777A>G, p.Gly259= (NM_001363520.3); c.663A>G, p.Gly221= (NM_001363521.3); c.843A>G, p.Gly281= (NM_001371590.2); c.978A>G, p.Gly326= (NM_001371591.2, NM_152778.4); c.984A>G, p.Gly328= (NM_001371592.2); c.864A>G, p.Gly288= (NM_001371593.2, NM_001410766.1); c.831A>G, p.Gly277= (NM_001371594.2); c.696A>G, p.Gly232= (NM_001371595.1); and 1 more.
Identifiers: ClinVar variation 589908 (VCV000589908.21), dbSNP rs138219028, ClinGen allele CA3077327.

ClinVar aggregate classification (germline): Likely benign. Review status: criteria provided, multiple submitters, no conflicts (2 of 4 stars). 5 submissions from 5 submitters: Likely benign (5). Last evaluated 2025-12-21.

Conditions:
Neuronal ceroid lipofuscinosis 7 (CLN7). Also called: MFSD8-Related Neuronal Ceroid-Lipofuscinosis. Identifiers: Orphanet 168491, Orphanet 228366, MedGen C1838571, MONDO:0012588, OMIM 610951.
MFSD8-related disorder. Also called: MFSD8-related condition.
Inborn genetic diseases. Identifiers: MedGen C0950123, MeSH D030342.

Allele frequency attached by ClinVar (database versions not stated): ESP Exome Variant Server 0.00015; ExAC 0.00001; gnomAD exomes 0.00003 and 0.00013; TOPMed 0.00003; gnomAD 0.00004.
gnomAD v4.1: 197 of 1,613,338 alleles (0.012%); highest among the groups gnomAD compares: Non-Finnish European, 0.016%; no homozygotes.

Submissions (5):

Labcorp Genetics (formerly Invitae), Labcorp
Classification: Likely benign for Neuronal ceroid lipofuscinosis 7. Last evaluated: 2025-12-21. Review status: criteria provided, single submitter. Criteria: Invitae Variant Classification Sherloc (09022015). Collection method: clinical testing. Allele origin: germline.

PreventionGenetics, part of Exact Sciences
Classification: Likely benign for MFSD8-related condition. Last evaluated: 2025-11-23. Review status: criteria provided, single submitter. Criteria: ACMG Guidelines, 2015. Collection method: clinical testing. Allele origin: germline.
Comment: This variant is classified as likely benign based on ACMG/AMP sequence variant interpretation guidelines (Richards et al. 2015 PMID: 25741868, with internal and published modifications).

Blueprint Genetics
Classification: Likely benign. Last evaluated: 2022-09-16. Review status: criteria provided, single submitter. Criteria: ACMG Guidelines, 2015. Collection method: clinical testing. Allele origin: germline.

GeneDx
Classification: Likely benign. Last evaluated: 2019-01-31. Review status: criteria provided, single submitter. Criteria: GeneDx Variant Classification Process June 2021. Collection method: clinical testing. Allele origin: germline. Affected: yes.

Ambry Genetics
Classification: Likely benign for Inborn genetic diseases. Last evaluated: 2016-08-30. Review status: criteria provided, single submitter. Criteria: Ambry Variant Classification Scheme 2023. Collection method: clinical testing. Allele origin: germline.